The following is an entry in ClinVar:

ClinVar aggregate classification (germline): Benign/Likely benign. Review status: criteria provided, multiple submitters, no conflicts (2 of 4 stars). 2 submissions from 2 submitters: Benign (1); Likely benign (1). Last evaluated 2026-07-01.

Conditions:
Sessile serrated polyposis cancer syndrome (SSPCS). Identifiers: Orphanet 157798, MedGen C4310714, MONDO:0014919, OMIM 617108.

Submissions (2):

Myriad Genetics, Inc.
Classification: Benign for Sessile serrated polyposis cancer syndrome. Last evaluated: 2026-07-01. Review status: criteria provided, single submitter. Criteria: Myriad Autosomal Dominant, Autosomal Recessive and X-Linked Classification Criteria (2023). Collection method: clinical testing. Allele origin: unknown.
Comment: This variant is considered benign. This variant is a silent/synonymous amino acid change and it is not expected to impact splicing.

Ambry Genetics
Classification: Likely benign. Last evaluated: 2025-05-27. Review status: criteria provided, single submitter. Criteria: Ambry Variant Classification Scheme 2023. Collection method: clinical testing. Allele origin: germline.

NM_017763.6(RNF43):c.1065T>C (p.Ala355=)

Gene: RNF43 (ring finger protein 43; minus strand). Cytogenetic location: 17q22.
Variant type: single nucleotide variant.
Coding change: c.1065T>C on transcript NM_017763.6 (MANE Select); coding-DNA position 1065, T replaced by C.
Protein change: p.Ala355=; no amino-acid change (alanine 355 retained).
Molecular consequence: synonymous variant.
Genome position (GRCh38, 1-based): chr17:58,358,711, A>G on the plus strand (T>C on the coding strand, the complement: RNF43 is on the minus strand). VCF-style: chr17-58358711-A-G. GRCh37 (hg19) VCF-style: chr17-56436072-A-G.
Other names: c.1065T>C, p.Ala355= (NM_001305544.3); c.684T>C, p.Ala228= (NM_001305545.2).
Identifiers: ClinVar variation 3946918 (VCV003946918.2).
Genomic context (GRCh38, chr17:58,358,711, plus strand): 5'-GAAGGGACCAGGTCGTGGGGGCCGAGCCACTGCACTCCGGGAAGGGCCCAACAGGTAGGC[A>G]GCAGGGAGGTGGTAGTGGGCATGGCCGGGATGCTGGCGAATGAGGTGGAGTCTTCGACCT-3'
Protein context (NP_060233.3, residues 345-365): HPGHAHYHLP[Ala355=]AYLLGPSRSA